The following is an entry in ClinVar:

NM_000038.5:c.8096_8097insALU

Gene: APC (APC regulator of Wnt signaling pathway; plus strand).
Variant type: Insertion.
Identifiers: ClinVar variation 3409665 (VCV003409665.1).

ClinVar aggregate classification (germline): Likely pathogenic (1 of 4 stars; one submission).

Conditions:
Hereditary cancer-predisposing syndrome. Also called: Neoplastic Syndromes, Hereditary; Tumor predisposition; Hereditary Cancer Syndrome; Hereditary neoplastic syndrome. Identifiers: Orphanet 140162, MedGen C0027672, MeSH D009386, MONDO:0015356.

Submission:

Ambry Genetics
Classification: Likely pathogenic for Hereditary cancer-predisposing syndrome. Last evaluated: 2024-07-19. Review status: criteria provided, single submitter. Criteria: Ambry Variant Classification Scheme 2023. Collection method: clinical testing. Allele origin: germline.
Comment: The c.8096_8097insALU variant results from the insertion of an Alu element between nucleotides 8096 and 8097 in coding exon 15 of the APC gene. Mobile element insertions contribute to pathogenicity by either disrupting the coding sequence or inducing aberrant splicing (Belancio VP et al. Semin. Cancer Biol. 2010 Aug;20:200-10; Deininger P et al. Genome Biol. 2011 Dec;12:236; van der Klift HM Hum Mutat. 2012 Jul;33(7):1051-5). This alteration occurs at the 3' terminus of the APC gene and is not expected to trigger nonsense-mediated mRNA decay. However, premature stop codons are typically deleterious in nature, and the impacted region is critical for protein function (Ambry internal data). Based on the majority of available evidence to date, this variant is likely to be pathogenic.